The following is an entry in ClinVar:

ClinVar aggregate classification (germline): Likely benign. Review status: criteria provided, multiple submitters, no conflicts (2 of 4 stars). 3 submissions from 3 submitters: Likely benign (2). 1 of the submissions does not count toward it. Last evaluated 2026-01-12.

Conditions:
AEBP1-related disorder. Also called: AEBP1-related condition.

Allele frequency attached by ClinVar (database versions not stated): ExAC 0.00001.
gnomAD v4.1: 15 of 1,609,610 alleles (0.00093%); highest among the groups gnomAD compares: Non-Finnish European, 0.00051%; no homozygotes.

Submissions (3):

Labcorp Genetics (formerly Invitae), Labcorp
Classification: Likely benign. Last evaluated: 2026-01-12. Review status: criteria provided, single submitter. Criteria: Invitae Variant Classification Sherloc (09022015). Collection method: clinical testing. Allele origin: germline.

Women's Health and Genetics/Laboratory Corporation of America, LabCorp
Classification: Likely benign. Last evaluated: 2025-05-08. Review status: criteria provided, single submitter. Criteria: LabCorp Variant Classification Summary - May 2015. Collection method: clinical testing. Allele origin: germline.
Comment: Variant summary: AEBP1 c.2109G>C alters a conserved nucleotide resulting in a synonymous change. Consensus agreement among computation tools predict no significant impact on normal splicing. However, these predictions have yet to be confirmed by functional studies. The variant allele was found at a frequency of 8e-06 in 250754 control chromosomes. The available data on variant occurrences in the general population are insufficient to allow any conclusion about variant significance. To our knowledge, no occurrence of c.2109G>C in individuals affected with Ehlers-Danlos syndrome, classic-like, 2 and no experimental evidence demonstrating its impact on protein function have been reported. ClinVar contains an entry for this variant (Variation ID: 3031479). Based on the evidence outlined above, the variant was classified as likely benign.

PreventionGenetics, part of Exact Sciences
Classification: Likely benign for AEBP1-related condition. Last evaluated: 2022-05-27. Review status: no assertion criteria provided. Collection method: clinical testing. Allele origin: germline. Not counted in ClinVar's aggregate classification.
Comment: This variant is classified as likely benign based on ACMG/AMP sequence variant interpretation guidelines (Richards et al. 2015 PMID: 25741868, with internal and published modifications).

NM_001129.5(AEBP1):c.2109G>C (p.Pro703=)

Gene: AEBP1 (AE binding protein 1; plus strand). Cytogenetic location: 7p13.
Variant type: single nucleotide variant.
Coding change: c.2109G>C on transcript NM_001129.5 (MANE Select); coding-DNA position 2109, G replaced by C.
Protein change: p.Pro703=; no amino-acid change (proline 703 retained).
Molecular consequence: synonymous variant.
Genome position (GRCh38, 1-based): chr7:44,112,213, G>C. VCF-style: chr7-44112213-G-C. GRCh37 (hg19) VCF-style: chr7-44151812-G-C.
Identifiers: ClinVar variation 3031479 (VCV003031479.5), dbSNP rs774283193, ClinGen allele CA4238116.